The following is an entry in ClinVar:

NM_003896.4(ST3GAL5):c.304C>G (p.Pro102Ala)

Gene: ST3GAL5 (ST3 beta-galactoside alpha-2,3-sialyltransferase 5; minus strand). Cytogenetic location: 2p11.2.
Variant type: single nucleotide variant.
Coding change: c.304C>G on transcript NM_003896.4 (MANE Select); coding-DNA position 304, C replaced by G.
Protein change: p.Pro102Ala; replaces proline 102 with alanine.
Molecular consequence: missense variant. On other transcripts: 5 prime UTR variant (5).
Genome position (GRCh38, 1-based): chr2:85,861,195, G>C on the plus strand (C>G on the coding strand, the complement: ST3GAL5 is on the minus strand). VCF-style: chr2-85861195-G-C. GRCh37 (hg19) VCF-style: chr2-86088318-G-C.
Other names: c.235C>G, p.Pro79Ala (NM_001042437.2); c.-258C>G (NM_001354223.2, NM_001354226.2); c.-321C>G (NM_001354224.2); c.220C>G, p.Pro74Ala (NM_001354227.2, NM_001354229.2, NM_001354238.1); c.-698C>G (NM_001354233.2); c.-662C>G (NM_001354234.1); c.304C>G, p.Pro102Ala (NM_001363847.1); short protein forms P102A, P74A, P79A.
Identifiers: ClinVar variation 1402128 (VCV001402128.8), dbSNP rs753590309, ClinGen allele CA347533944.
Genomic context (GRCh38, chr2:85,861,195, plus strand): 5'-TGCTTGGCAATGTTTTCATTTAAACCACACCAATGGGATATCTAACCTTTACATGGTCAG[G>C]GTCCACATAATGCATTTTTTTCATGTCACATTCTTCAGTAGTATAATTTAACTTGAGGAT-3'
Protein context (NP_003887.3, residues 92-112): CDMKKMHYVD[Pro102Ala]DHVKRAQKYA

ClinVar aggregate classification (germline): Uncertain significance (1 of 4 stars; one submission).

Conditions:
GM3 synthase deficiency (SPDRS). Also called: SALT AND PEPPER MENTAL RETARDATION SYNDROME; AMISH INFANTILE EPILEPSY SYNDROME; SALT AND PEPPER DEVELOPMENTAL REGRESSION SYNDROME. Identifiers: Orphanet 171714, Orphanet 370933, MedGen C1836824, MONDO:0018274, OMIM 609056.

Submission:

Labcorp Genetics (formerly Invitae), Labcorp
Classification: Uncertain significance for GM3 synthase deficiency. Last evaluated: 2024-05-15. Review status: criteria provided, single submitter. Criteria: Invitae Variant Classification Sherloc (09022015). Collection method: clinical testing. Allele origin: germline.
Comment: This sequence change replaces proline, which is neutral and non-polar, with alanine, which is neutral and non-polar, at codon 102 of the ST3GAL5 protein (p.Pro102Ala). This variant is not present in population databases (gnomAD no frequency). This variant has not been reported in the literature in individuals affected with ST3GAL5-related conditions. ClinVar contains an entry for this variant (Variation ID: 1402128). Advanced modeling of protein sequence and biophysical properties (such as structural, functional, and spatial information, amino acid conservation, physicochemical variation, residue mobility, and thermodynamic stability) performed at Invitae indicates that this missense variant is not expected to disrupt ST3GAL5 protein function with a negative predictive value of 80%. In summary, the available evidence is currently insufficient to determine the role of this variant in disease. Therefore, it has been classified as a Variant of Uncertain Significance.